The following is an entry in ClinVar:

NM_001304548.2(CFAP47):c.2302A>T (p.Thr768Ser)

Gene: CFAP47 (cilia and flagella associated protein 47; plus strand). Cytogenetic location: Xp21.1.
Variant type: single nucleotide variant.
Coding change: c.2302A>T on transcript NM_001304548.2 (MANE Select); coding-DNA position 2302, A replaced by T.
Protein change: p.Thr768Ser; replaces threonine 768 with serine.
Molecular consequence: missense variant.
Genome position (GRCh38, 1-based): chrX:35,975,194, A>T. VCF-style: chrX-35975194-A-T. GRCh37 (hg19) VCF-style: chrX-35993311-A-T.
Other names: c.2302A>T, p.Thr768Ser (NM_152632.4); short protein forms T768S.
Identifiers: ClinVar variation 3043436 (VCV003043436.2), dbSNP rs140595411, ClinGen allele CA10381809.

ClinVar aggregate classification (germline): Likely benign (0 of 4 stars; one submission).

Conditions:
CFAP47-related disorder. Also called: CFAP47-related condition.

Allele frequency attached by ClinVar (database versions not stated): ExAC 0.00135; gnomAD 0.00160; TOPMed 0.00160; ESP Exome Variant Server 0.00189; gnomAD exomes 0.00215.
gnomAD v4.1: 2,494 of 1,197,889 alleles (0.21%); highest among the groups gnomAD compares: Non-Finnish European, 0.25%; 1 homozygote.

Submission:

PreventionGenetics, part of Exact Sciences
Classification: Likely benign for CFAP47-related condition. Last evaluated: 2022-05-26. Review status: no assertion criteria provided. Collection method: clinical testing. Allele origin: germline.
Comment: This variant is classified as likely benign based on ACMG/AMP sequence variant interpretation guidelines (Richards et al. 2015 PMID: 25741868, with internal and published modifications).